The following is an entry in ClinVar:

ClinVar aggregate classification (germline): Conflicting classifications of pathogenicity. Review status: criteria provided, conflicting classifications (1 of 4 stars). 6 submissions from 6 submitters: Uncertain significance (5); Likely benign (1). Last evaluated 2026-01-14.

Conditions:
Catecholaminergic polymorphic ventricular tachycardia 1. Also called: VENTRICULAR TACHYCARDIA, CATECHOLAMINERGIC POLYMORPHIC, 1, WITH OR WITHOUT ATRIAL DYSFUNCTION AND/OR DILATED CARDIOMYOPATHY; RYR2-Related Catecholaminergic Polymorphic Ventricular Tachycardia; VENTRICULAR TACHYCARDIA, STRESS-INDUCED POLYMORPHIC 1. Identifiers: Orphanet 3286, MedGen C1631597, MONDO:0011484, OMIM 604772.
Cardiovascular phenotype. Identifiers: MedGen CN230736.
Cardiomyopathy (CMYO). Also called: Cardiomyopathies. Identifiers: Orphanet 167848, MedGen C0878544, MONDO:0004994, HP:0001638. Inheritance: Various modes of inheritance.

Allele frequency attached by ClinVar (database versions not stated): gnomAD 0.00004 and 0.00006; TOPMed 0.00009.
gnomAD v4.1: 17 of 1,612,292 alleles (0.0011%); highest among the groups gnomAD compares: African/African-American, 0.021%; no homozygotes.

Submissions (6):

Labcorp Genetics (formerly Invitae), Labcorp
Classification: Likely benign for Catecholaminergic polymorphic ventricular tachycardia 1. Last evaluated: 2026-01-14. Review status: criteria provided, single submitter. Criteria: Invitae Variant Classification Sherloc (09022015). Collection method: clinical testing. Allele origin: germline.

Molecular Diagnostic Laboratory for Inherited Cardiovascular Disease, Montreal Heart Institute
Classification: Uncertain significance for Cardiovascular phenotype. Last evaluated: 2025-04-09. Review status: criteria provided, single submitter. Criteria: ACMG Guidelines, 2015. Collection method: clinical testing. Allele origin: germline. Affected: yes.

Color Diagnostics, LLC DBA Color Health
Classification: Uncertain significance for Cardiomyopathy. Last evaluated: 2024-06-17. Review status: criteria provided, single submitter. Criteria: ACMG Guidelines, 2015. Collection method: clinical testing. Allele origin: germline.
Comment: This missense variant replaces isoleucine with threonine at codon 1299 of the RYR2 protein. Computational prediction suggests that this variant may not impact protein structure and function (internally defined REVEL score threshold <= 0.5, PMID: 27666373). To our knowledge, functional studies have not been reported for this variant. This variant has not been reported in individuals affected with RYR2-related disorders in the literature. This variant has been identified in 8/279232 chromosomes in the general population by the Genome Aggregation Database (gnomAD). The available evidence is insufficient to determine the role of this variant in disease conclusively. Therefore, this variant is classified as a Variant of Uncertain Significance.

Ambry Genetics
Classification: Uncertain significance for Cardiovascular phenotype. Last evaluated: 2024-03-06. Review status: criteria provided, single submitter. Criteria: Ambry Variant Classification Scheme 2023. Collection method: clinical testing. Allele origin: germline.
Comment: The p.I1299T variant (also known as c.3896T>C), located in coding exon 31 of the RYR2 gene, results from a T to C substitution at nucleotide position 3896. The isoleucine at codon 1299 is replaced by threonine, an amino acid with similar properties. This amino acid position is not well conserved in available vertebrate species. In addition, the in silico prediction for this alteration is inconclusive. Since supporting evidence is limited at this time, the clinical significance of this alteration remains unclear.

Women's Health and Genetics/Laboratory Corporation of America, LabCorp
Classification: Uncertain significance. Last evaluated: 2018-10-15. Review status: criteria provided, single submitter. Criteria: LabCorp Variant Classification Summary - May 2015. Collection method: clinical testing. Allele origin: germline.
Comment: Variant summary: RYR2 c.3896T>C (p.Ile1299Thr) results in a non-conservative amino acid change in the encoded protein sequence. Two of four in-silico tools predict a benign effect of the variant on protein function. The variant allele was found at a frequency of 2.5e-05 in 275658 control chromosomes. The available data on variant occurrences in the general population are insufficient to allow any conclusion about variant significance. To our knowledge, no occurrence of c.3896T>C in individuals affected with Catecholaminergic Polymorphic Ventricular Tachycardia and no experimental evidence demonstrating its impact on protein function have been reported. One clinical diagnostic laboratory has submitted clinical-significance assessments for this variant to ClinVar after 2014 without evidence for independent evaluation. One laboratory classified the variant as uncertain significance. Based on the evidence outlined above, the variant was classified as uncertain significance.

Laboratory for Molecular Medicine, Mass General Brigham Personalized Medicine
Classification: Uncertain significance. Last evaluated: 2018-01-22. Review status: criteria provided, single submitter. Criteria: LMM Criteria. Collection method: clinical testing. Allele origin: germline. Observed: 1 variant allele.
Comment: The p.Ile1299Thr variant in RYR2 has not been previously reported in individuals with cardiomyopathy, but has been identified in 6/24010 African chromosomes by the Genome Aggregation Database (gnomAD; rs772 551383). Computational prediction tools and conservation analysis suggest that t he p.Ile1299Thr variant may impact the protein, though this information is not p redictive enough to determine pathogenicity. In summary, the clinical significan ce of the p.Ile1299Thr variant is uncertain. ACMG/AMP Criteria applied: PP3.

NM_001035.3(RYR2):c.3896T>C (p.Ile1299Thr)

Genes: RYR2 (ryanodine receptor 2; plus strand), LOC126806067 (BRD4-independent group 4 enhancer GRCh37_chr1:237753258-237754457; plus strand). Cytogenetic location: 1q43.
Variant type: single nucleotide variant.
Coding change: c.3896T>C on transcript NM_001035.3 (MANE Select); coding-DNA position 3896, T replaced by C.
Protein change: p.Ile1299Thr; replaces isoleucine 1299 with threonine.
Molecular consequence: missense variant.
Genome position (GRCh38, 1-based): chr1:237,590,728, T>C. VCF-style: chr1-237590728-T-C. GRCh37 (hg19) VCF-style: chr1-237754028-T-C.
Other names: short protein forms I1299T.
Identifiers: ClinVar variation 506277 (VCV000506277.18), dbSNP rs772551383, ClinGen allele CA086492.